The following is an entry in ClinVar:

ClinVar aggregate classification (germline): Pathogenic (1 of 4 stars; one submission).

Conditions:
Mucopolysaccharidosis, MPS-II (MPS2). Also called: IDS deficiency; Sulfoiduronate sulfatase deficiency; SIDS deficiency; Mucopolysaccharidosis with skin involvement; Mucopolysaccharidosis type 2; Attenuated MPS (subtype; formerly known as mild MPS II). Identifiers: Orphanet 580, Orphanet 79388, MedGen C0026705, MONDO:0010674, OMIM 309900.

Submission:

Labcorp Genetics (formerly Invitae), Labcorp
Classification: Pathogenic for Mucopolysaccharidosis, MPS-II. Last evaluated: 2022-05-11. Review status: criteria provided, single submitter. Criteria: Invitae Variant Classification Sherloc (09022015). Collection method: clinical testing. Allele origin: germline.
Comment: This sequence change creates a premature translational stop signal (p.Trp502*) in the IDS gene. While this is not anticipated to result in nonsense mediated decay, it is expected to disrupt the last 49 amino acid(s) of the IDS protein. This variant is not present in population databases (gnomAD no frequency). This variant has not been reported in the literature in individuals affected with IDS-related conditions. This variant disrupts a region of the IDS protein in which other variant(s) (p.Gln531*) have been determined to be pathogenic (PMID: 7581397, 17091340). This suggests that this is a clinically significant region of the protein, and that variants that disrupt it are likely to be disease-causing. For these reasons, this variant has been classified as Pathogenic.

Literature cited by the submitters: PubMed 7581397; PubMed 17091340.

NM_000202.8(IDS):c.1506G>A (p.Trp502Ter)

Gene: IDS (iduronate 2-sulfatase; minus strand). Cytogenetic location: Xq28.
Variant type: single nucleotide variant.
Coding change: c.1506G>A on transcript NM_000202.8 (MANE Select); coding-DNA position 1506, G replaced by A.
Protein change: p.Trp502Ter; replaces tryptophan 502 with a stop codon.
Molecular consequence: nonsense.
Genome position (GRCh38, 1-based): chrX:149,482,893, C>T on the plus strand (G>A on the coding strand, the complement: IDS is on the minus strand). VCF-style: chrX-149482893-C-T. GRCh37 (hg19) VCF-style: chrX-148564424-C-T.
Other names: c.1236G>A, p.Trp412Ter (NM_001166550.4); short protein forms W412*, W502*.
Identifiers: ClinVar variation 1992963 (VCV001992963.4), dbSNP rs2124648374, ClinGen allele CA414517944.
Genomic context (GRCh38, chrX:149,482,893, plus strand): 5'-CAGTTCCCCTGCATGGATGTCAGAAAAGTTAGCTAGAAATTCATCAGGATTGAAGCCAAC[C>T]CACACAGTATACCTATAGTCTATGGTGCGTATGGAATAGCCCATGATCTTTATATCTTTT-3'